The following is an entry in ClinVar:

NM_000222.3(KIT):c.1041G>A (p.Gln347=)

Gene: KIT (KIT proto-oncogene, receptor tyrosine kinase; plus strand). Cytogenetic location: 4q12.
Variant type: single nucleotide variant.
Coding change: c.1041G>A on transcript NM_000222.3 (MANE Select); coding-DNA position 1041, G replaced by A.
Protein change: p.Gln347=; no amino-acid change (glutamine 347 retained).
Molecular consequence: synonymous variant.
Genome position (GRCh38, 1-based): chr4:54,707,213, G>A. VCF-style: chr4-54707213-G-A. GRCh37 (hg19) VCF-style: chr4-55573379-G-A.
Other names: c.1041G>A, p.Gln347= (NM_001093772.2, NM_001385285.1, NM_001385286.1); c.1044G>A, p.Gln348= (NM_001385284.1, NM_001385288.1, NM_001385290.1 and 1 more transcripts).
Identifiers: ClinVar variation 704819 (VCV000704819.14), dbSNP rs750717279, ClinGen allele CA2923358.

ClinVar aggregate classification (germline): Benign/Likely benign. Review status: criteria provided, multiple submitters, no conflicts (2 of 4 stars). 3 submissions from 3 submitters: Benign (1); Likely benign (2). Last evaluated 2026-06-03.

Conditions:
Hereditary cancer-predisposing syndrome. Also called: Neoplastic Syndromes, Hereditary; Hereditary Cancer Syndrome; Hereditary neoplastic syndrome; Tumor predisposition. Identifiers: Orphanet 140162, MedGen C0027672, MeSH D009386, MONDO:0015356.
Gastrointestinal stromal tumor. Also called: Gastrointestinal stromal tumor, somatic; Gastrointestinal stroma tumor. Identifiers: Orphanet 44890, MedGen C0238198, MeSH D046152, MONDO:0011719, OMIM 606764, HP:0100723.

Allele frequency attached by ClinVar (database versions not stated): gnomAD exomes 0.00002 and 0.00001; TOPMed 0.00001; ExAC 0.00002.

Submissions (3):

Myriad Genetics, Inc.
Classification: Benign for Gastrointestinal stromal tumor. Last evaluated: 2026-06-03. Review status: criteria provided, single submitter. Criteria: Myriad Autosomal Dominant, Autosomal Recessive and X-Linked Classification Criteria (2023). Collection method: clinical testing. Allele origin: unknown.
Comment: This variant is considered benign. This variant is a silent/synonymous amino acid change and it is not expected to impact splicing.

Labcorp Genetics (formerly Invitae), Labcorp
Classification: Likely benign for Gastrointestinal stromal tumor. Last evaluated: 2025-07-31. Review status: criteria provided, single submitter. Criteria: Invitae Variant Classification Sherloc (09022015). Collection method: clinical testing. Allele origin: germline.

Ambry Genetics
Classification: Likely benign for Hereditary cancer-predisposing syndrome. Last evaluated: 2022-10-05. Review status: criteria provided, single submitter. Criteria: Ambry Variant Classification Scheme 2023. Collection method: clinical testing. Allele origin: germline.